The following is an entry in ClinVar:

NM_001369268.1(ACAN):c.2572G>A (p.Gly858Arg)

Gene: ACAN (aggrecan; plus strand). Cytogenetic location: 15q26.1.
Variant type: single nucleotide variant.
Coding change: c.2572G>A on transcript NM_001369268.1 (MANE Select); coding-DNA position 2572, G replaced by A.
Protein change: p.Gly858Arg; replaces glycine 858 with arginine.
Molecular consequence: missense variant.
Genome position (GRCh38, 1-based): chr15:88,855,157, G>A. VCF-style: chr15-88855157-G-A. GRCh37 (hg19) VCF-style: chr15-89398388-G-A.
Other names: c.2572G>A, p.Gly858Arg (NM_001135.4, NM_013227.4); short protein forms G858R.
Identifiers: ClinVar variation 389254 (VCV000389254.3), dbSNP rs772707511, ClinGen allele CA16606826.

ClinVar aggregate classification (germline): Uncertain significance (1 of 4 stars; one submission).

Allele frequency attached by ClinVar (database versions not stated): gnomAD exomes 0.00001; TOPMed 0.00001.
gnomAD v4.1: 4 of 1,609,274 alleles (0.00025%); highest among the groups gnomAD compares: Middle Eastern, 0.05%; no homozygotes.

Submission:

GeneDx
Classification: Uncertain significance. Last evaluated: 2019-09-05. Review status: criteria provided, single submitter. Criteria: GeneDx Variant Classification Process June 2021. Collection method: clinical testing. Allele origin: germline. Affected: yes.
Comment: Not observed in large population cohorts (Lek et al., 2016); In silico analysis, which includes protein predictors and evolutionary conservation, supports a deleterious effect; Has not been previously published as pathogenic or benign to our knowledge